The following is an entry in ClinVar:

ClinVar aggregate classification (germline): Benign/Likely benign. Review status: criteria provided, multiple submitters, no conflicts (2 of 4 stars). 8 submissions from 8 submitters: Benign (3); Likely benign (4). 1 of the submissions does not count toward it. Last evaluated 2026-01-19.

Conditions:
SPTAN1-related disorder. Also called: SPTAN1-related condition; SPTAN1-related disorders.
Early-infantile DEE. Also called: Early infantile epileptic encephalopathy; Early infantile epileptic encephalopathy with suppression bursts; Ohtahara syndrome. Identifiers: Orphanet 1934, MedGen C0393706, MONDO:0800491.
Inborn genetic diseases. Identifiers: MedGen C0950123, MeSH D030342.
Developmental and epileptic encephalopathy, 5 (DEE5). Identifiers: Orphanet 3451, MedGen C3150731, MONDO:0013277, OMIM 613477.

Allele frequency attached by ClinVar (database versions not stated): gnomAD exomes 0.00036 and 0.00068; gnomAD 0.00045 and 0.00062; TOPMed 0.00056; ESP Exome Variant Server 0.00062; ExAC 0.00081; 1000 Genomes Project 30x 0.00219; 1000 Genomes Project 0.00240.
gnomAD v4.1: 631 of 1,614,028 alleles (0.039%); highest among the groups gnomAD compares: South Asian, 0.46%; 5 homozygotes.

Submissions (8):

Labcorp Genetics (formerly Invitae), Labcorp
Classification: Benign for Early-infantile DEE. Last evaluated: 2026-01-19. Review status: criteria provided, single submitter. Criteria: Invitae Variant Classification Sherloc (09022015). Collection method: clinical testing. Allele origin: germline.

Blueprint Genetics
Classification: Likely benign. Last evaluated: 2024-09-06. Review status: criteria provided, single submitter. Criteria: ACMG Guidelines, 2015. Collection method: clinical testing. Allele origin: germline.

CeGaT Center for Human Genetics Tuebingen
Classification: Likely benign. Last evaluated: 2024-01-01. Review status: criteria provided, single submitter. Criteria: CeGaT Center For Human Genetics Tuebingen Variant Classification Criteria Version 2. Collection method: clinical testing. Allele origin: germline. Affected: yes. Observed: 1 variant allele.
Comment: SPTAN1: BP4, BP7, BS1

Genome-Nilou Lab
Classification: Benign for Developmental and epileptic encephalopathy, 5. Last evaluated: 2021-07-15. Review status: criteria provided, single submitter. Criteria: ACMG Guidelines, 2015. Collection method: clinical testing. Allele origin: germline. Affected: no.

Ambry Genetics
Classification: Likely benign for Inborn genetic diseases. Last evaluated: 2016-10-31. Review status: criteria provided, single submitter. Criteria: Ambry Variant Classification Scheme 2023. Collection method: clinical testing. Allele origin: germline.

GeneDx
Classification: Benign. Last evaluated: 2013-06-07. Review status: criteria provided, single submitter. Criteria: GeneDx Variant Classification (06012015). Collection method: clinical testing. Allele origin: germline. Affected: yes.
Comment: This variant is considered likely benign or benign based on one or more of the following criteria: it is a conservative change, it occurs at a poorly conserved position in the protein, it is predicted to be benign by multiple in silico algorithms, and/or has population frequency not consistent with disease.

Breakthrough Genomics
Classification: Likely benign. Review status: criteria provided, single submitter. Criteria: ACMG Guidelines, 2015. Collection method: not provided. Allele origin: germline. Inheritance: Autosomal dominant inheritance. Affected: yes.

PreventionGenetics, part of Exact Sciences
Classification: Benign for SPTAN1-related condition. Last evaluated: 2019-05-22. Review status: no assertion criteria provided. Collection method: clinical testing. Allele origin: germline. Not counted in ClinVar's aggregate classification.
Comment: This variant is classified as benign based on ACMG/AMP sequence variant interpretation guidelines (Richards et al. 2015 PMID: 25741868, with internal and published modifications).

NM_001130438.3(SPTAN1):c.7146G>A (p.Thr2382=)

Gene: SPTAN1 (spectrin alpha, non-erythrocytic 1; plus strand). Cytogenetic location: 9q34.11.
Variant type: single nucleotide variant.
Coding change: c.7146G>A on transcript NM_001130438.3 (MANE Select); coding-DNA position 7146, G replaced by A.
Protein change: p.Thr2382=; no amino-acid change (threonine 2382 retained).
Molecular consequence: synonymous variant.
Genome position (GRCh38, 1-based): chr9:128,632,704, G>A. VCF-style: chr9-128632704-G-A. GRCh37 (hg19) VCF-style: chr9-131394983-G-A.
Other names: p.T2382T:ACG>ACA; c.7071G>A, p.Thr2357= (NM_001195532.2); c.7209G>A, p.Thr2403= (NM_001363759.2); c.7086G>A, p.Thr2362= (NM_001363765.2); c.7131G>A, p.Thr2377= (NM_003127.4).
Identifiers: ClinVar variation 139314 (VCV000139314.43), dbSNP rs75028792, ClinGen allele CA293756.
Genomic context (GRCh38, chr9:128,632,704, plus strand): 5'-TGACCTGCCCATGGTGGAGGAAGGGGAACCTGACCCTGAGTTCGAGGCAATCCTGGACAC[G>A]GTGGATCCGAACAGGTAAATTAATTAAGGCCAGGTGCTGTGAGCCTCTGCCCGGGGCACC-3'
Protein context (NP_001123910.1, residues 2372-2392): PDPEFEAILD[Thr2382=]VDPNRDGHVS